The following is an entry in ClinVar:

NC_000023.11:g.(31932228_31968338)_(32699294_32809492)del

Gene: DMD (dystrophin; minus strand). Cytogenetic location: Xp21.1.
Variant type: Deletion.
Identifiers: ClinVar variation 981956 (VCV000981956.2).

ClinVar aggregate classification (germline): Pathogenic (1 of 4 stars; one submission).

Conditions:
Neuromuscular disease caused by qualitative or quantitative defects of dystrophin. Also called: Qualitative or quantitative defects of dystrophin. Identifiers: Orphanet 207085, MedGen C5679787, MONDO:0016147.

Submission:

Women's Health and Genetics/Laboratory Corporation of America, LabCorp
Classification: Pathogenic for Neuromuscular disease caused by qualitative or quantitative defects of dystrophin. Last evaluated: 2025-03-06. Review status: criteria provided, single submitter. Criteria: LabCorp Variant Classification Summary - May 2015. Collection method: clinical testing. Allele origin: germline.
Comment: Variant summary: The variant involves the deletion of exons 8-45 in the DMD gene [Predicted consequence: Frameshift, p.(Asp217Glyfs*2) in the Actin binding domain; DOVE database]. A presumed nomenclature of c.(649+1_650-1)_(6614+1_6615-1)del has been designated for the purposes of this classification. The variant was absent in 21648 control chromosomes. Deletion of DMD exons 8-45 has been reported in at-least four reports of individuals affected with Dystrophinopathies predominantly of the DMD phenotype (example, Ramaciotti_2006, Wang_2017, Hodgson_1989, Flanigan_2009). These data indicate that the variant is likely to be associated with disease. To our knowledge, no experimental evidence demonstrating an impact on protein function has been reported. The following publications have been ascertained in the context of this evaluation (PMID: 19937601, 2585468, 16950195, 28181689). No submitters have cited clinical-significance assessments for this variant to ClinVar. Based on the evidence outlined above, the variant was classified as pathogenic.

Literature cited by the submitters: PubMed 19937601; PubMed 2585468; PubMed 16950195; PubMed 28181689.